The following is an entry in ClinVar:

ClinVar aggregate classification (germline): Uncertain significance. Review status: criteria provided, multiple submitters, no conflicts (2 of 4 stars). 2 submissions from 2 submitters: Uncertain significance (2). Last evaluated 2025-12-10.

Conditions:
Singleton-Merten syndrome 1 (SGMRT1). Also called: Widened medullary cavities of bone, aortic calcification, abnormal dentition, and muscular weakness; Syndrome of widened medullary cavities of the metacarpals and phalanges, aortic calcification and abnormal dentition. Identifiers: Orphanet 85191, MedGen C4225427, MONDO:0024535, OMIM 182250.
Aicardi-Goutieres syndrome 7 (AGS7). Identifiers: Orphanet 51, MedGen C3888244, MONDO:0014367, OMIM 615846.
Inborn genetic diseases. Identifiers: MedGen C0950123, MeSH D030342.

Allele frequency attached by ClinVar (database versions not stated): gnomAD exomes 0.00001 and below 0.00001; 1000 Genomes Project 30x 0.00016; ExAC 0.00001; gnomAD 0.00003; TOPMed 0.00002; ESP Exome Variant Server 0.00015; 1000 Genomes Project 0.00020.
gnomAD v4.1: 7 of 1,612,808 alleles (0.00043%); highest among the groups gnomAD compares: African/African-American, 0.008%; no homozygotes.

Submissions (2):

Labcorp Genetics (formerly Invitae), Labcorp
Classification: Uncertain significance for Aicardi-Goutieres syndrome 7; Singleton-Merten syndrome 1. Last evaluated: 2025-12-10. Review status: criteria provided, single submitter. Criteria: Invitae Variant Classification Sherloc (09022015). Collection method: clinical testing. Allele origin: germline.
Comment: This sequence change replaces glycine, which is neutral and non-polar, with alanine, which is neutral and non-polar, at codon 486 of the IFIH1 protein (p.Gly486Ala). This variant is present in population databases (rs141748480, gnomAD 0.01%). This variant has not been reported in the literature in individuals affected with IFIH1-related conditions. ClinVar contains an entry for this variant (Variation ID: 1008746). Invitae Evidence Modeling of protein sequence and biophysical properties (such as structural, functional, and spatial information, amino acid conservation, physicochemical variation, residue mobility, and thermodynamic stability) has been performed for this missense variant. However, the output from this modeling did not meet the statistical confidence thresholds required to predict the impact of this variant on IFIH1 protein function. In summary, the available evidence is currently insufficient to determine the role of this variant in disease. Therefore, it has been classified as a Variant of Uncertain Significance.

Ambry Genetics
Classification: Uncertain significance for Inborn genetic diseases. Last evaluated: 2025-05-26. Review status: criteria provided, single submitter. Criteria: Ambry Variant Classification Scheme 2023. Collection method: clinical testing. Allele origin: germline.

NM_022168.4(IFIH1):c.1457G>C (p.Gly486Ala)

Gene: IFIH1 (interferon induced with helicase C domain 1; minus strand). Cytogenetic location: 2q24.2.
Variant type: single nucleotide variant.
Coding change: c.1457G>C on transcript NM_022168.4 (MANE Select); coding-DNA position 1457, G replaced by C.
Protein change: p.Gly486Ala; replaces glycine 486 with alanine.
Molecular consequence: missense variant.
Genome position (GRCh38, 1-based): chr2:162,281,395, C>G on the plus strand (G>C on the coding strand, the complement: IFIH1 is on the minus strand). VCF-style: chr2-162281395-C-G. GRCh37 (hg19) VCF-style: chr2-163137905-C-G.
Other names: c.1457G>C (NM_022168.2); short protein forms G486A.
Identifiers: ClinVar variation 1008746 (VCV001008746.10), dbSNP rs141748480, ClinGen allele CA1934523.